The following is an entry in ClinVar:

NM_001267550.2(TTN):c.12780G>T (p.Ala4260=)

Gene: TTN (titin; minus strand). Cytogenetic location: 2q31.2.
Variant type: single nucleotide variant.
Coding change: c.12780G>T on transcript NM_001267550.2 (MANE Select); coding-DNA position 12780, G replaced by T.
Protein change: p.Ala4260=; no amino-acid change (alanine 4260 retained).
Molecular consequence: synonymous variant. On other transcripts: intron variant (1).
Genome position (GRCh38, 1-based): chr2:178,740,453, C>A on the plus strand (G>T on the coding strand, the complement: TTN is on the minus strand). VCF-style: chr2-178740453-C-A. GRCh37 (hg19) VCF-style: chr2-179605180-C-A.
Other names: p.A3943A:GCG>GCT; p.Ala3943=; c.11829G>T, p.Ala3943= (NM_001256850.1); c.11691G>T, p.Ala3897= (NM_003319.4); c.12066G>T, p.Ala4022= (NM_133432.3); c.12267G>T, p.Ala4089= (NM_133437.4); c.10361-2093G>T (NM_133378.4).
Identifiers: ClinVar variation 47831 (VCV000047831.37), dbSNP rs746578, ClinGen allele CA284551.

ClinVar aggregate classification (germline): Benign. Review status: criteria provided, multiple submitters, no conflicts (2 of 4 stars). 20 submissions from 17 submitters: Benign (15). 5 of the submissions do not count toward it. Last evaluated 2026-02-04.

Conditions:
Dilated cardiomyopathy 1G (CMD1G). Identifiers: Orphanet 154, MedGen C1858763, MONDO:0011400, OMIM 604145.
Autosomal recessive limb-girdle muscular dystrophy type 2J (LGMDR10). Also called: MUSCULAR DYSTROPHY, LIMB-GIRDLE, AUTOSOMAL RECESSIVE 10; Limb-girdle muscular dystrophy, type 2J. Identifiers: Orphanet 140922, MedGen C1837342, MONDO:0012127, OMIM 608807.
Cardiovascular phenotype. Identifiers: MedGen CN230736.
Early-onset myopathy with fatal cardiomyopathy (CMYO5). Also called: CONGENITAL MYOPATHY 5 WITH CARDIOMYOPATHY; Salih Myopathy. Identifiers: Orphanet 289377, MedGen C2673677, MONDO:0012714, OMIM 611705. Disease mechanism: loss of function.
Hypertrophic cardiomyopathy 9. Also called: Familial hypertrophic cardiomyopathy 9. Identifiers: MedGen C1861065, MONDO:0013412, OMIM 613765.
Tibial muscular dystrophy (TMD). Also called: Udd Distal Myopathy – Tibial Muscular Dystrophy; Tibial muscular dystrophy, tardive; UDD MYOPATHY. Identifiers: Orphanet 609, MedGen C1838244, MONDO:0010870, OMIM 600334.
Myopathy, myofibrillar, 9, with early respiratory failure (MFM9). Also called: Myopathy, distal, with early respiratory failure, autosomal dominant; Hereditary myopathy with early respiratory failure; MYOPATHY, PROXIMAL, WITH EARLY RESPIRATORY MUSCLE INVOLVEMENT; EDSTROM MYOPATHY. Identifiers: Orphanet 178464, Orphanet 34521, MedGen C1863599, MONDO:0011362, OMIM 603689.
Cardiomyopathy (CMYO). Also called: Cardiomyopathies. Identifiers: Orphanet 167848, MedGen C0878544, MONDO:0004994, HP:0001638. Inheritance: Various modes of inheritance.

Allele frequency attached by ClinVar (database versions not stated): 1000 Genomes Project 0.07608; 1000 Genomes Project 30x 0.07636.
gnomAD v4.1: 84,987 of 1,613,230 alleles (5.3%); highest among the groups gnomAD compares: Admixed American, 21%; 3,833 homozygotes.

Submissions (20):

Labcorp Genetics (formerly Invitae), Labcorp
Classification: Benign for Dilated cardiomyopathy 1G; Autosomal recessive limb-girdle muscular dystrophy type 2J. Last evaluated: 2026-02-04. Review status: criteria provided, single submitter. Criteria: Invitae Variant Classification Sherloc (09022015). Collection method: clinical testing. Allele origin: germline.

Molecular Diagnostic Laboratory for Inherited Cardiovascular Disease, Montreal Heart Institute
Classification: Benign. Last evaluated: 2025-04-09. Review status: criteria provided, single submitter. Criteria: ACMG Guidelines, 2015. Collection method: clinical testing. Allele origin: germline. Affected: no.

Genome-Nilou Lab
Classification: Benign for Autosomal recessive limb-girdle muscular dystrophy type 2J. Last evaluated: 2021-09-10. Review status: criteria provided, single submitter. Criteria: ACMG Guidelines, 2015. Collection method: clinical testing. Allele origin: germline. Affected: no.

Genome-Nilou Lab
Classification: Benign for Myopathy, myofibrillar, 9, with early respiratory failure. Last evaluated: 2021-09-10. Review status: criteria provided, single submitter. Criteria: ACMG Guidelines, 2015. Collection method: clinical testing. Allele origin: germline. Affected: no.

Genome-Nilou Lab
Classification: Benign for Early-onset myopathy with fatal cardiomyopathy. Last evaluated: 2021-09-10. Review status: criteria provided, single submitter. Criteria: ACMG Guidelines, 2015. Collection method: clinical testing. Allele origin: germline. Affected: no.

Genome-Nilou Lab
Classification: Benign for Tibial muscular dystrophy. Last evaluated: 2021-09-10. Review status: criteria provided, single submitter. Criteria: ACMG Guidelines, 2015. Collection method: clinical testing. Allele origin: germline. Affected: no.

Fulgent Genetics
Classification: Benign for Tibial muscular dystrophy; Myopathy, myofibrillar, 9, with early respiratory failure; Dilated cardiomyopathy 1G; Autosomal recessive limb-girdle muscular dystrophy type 2J; Early-onset myopathy with fatal cardiomyopathy; Hypertrophic cardiomyopathy 9. Last evaluated: 2021-08-02. Review status: criteria provided, single submitter. Criteria: ACMG Guidelines, 2015. Collection method: clinical testing. Allele origin: unknown.

CHEO Genetics Diagnostic Laboratory, Children's Hospital of Eastern Ontario
Classification: Benign for Cardiomyopathy. Last evaluated: 2015-11-30. Review status: criteria provided, single submitter. Criteria: ACMG Guidelines, 2015. Collection method: clinical testing. Allele origin: germline. Study: Canadian Open Genetics Repository.

Eurofins Ntd Llc (ga)
Classification: Benign. Last evaluated: 2015-07-23. Review status: criteria provided, single submitter. Criteria: EGL Classification Definitions 2015. Collection method: clinical testing. Allele origin: germline. Observed: 4 variant alleles, 4 heterozygotes.

Ambry Genetics
Classification: Benign for Cardiovascular phenotype. Last evaluated: 2015-06-24. Review status: criteria provided, single submitter. Criteria: Ambry Variant Classification Scheme 2023. Collection method: clinical testing. Allele origin: germline.

Mayo Clinic Laboratories, Mayo Clinic
Classification: Benign. Last evaluated: 2014-08-06. Review status: criteria provided, single submitter. Criteria: ACMG Guidelines, 2015. Collection method: clinical testing. Allele origin: germline. Observed: 178 variant alleles.

GeneDx
Classification: Benign. Last evaluated: 2012-10-19. Review status: criteria provided, single submitter. Criteria: GeneDx Variant Classification (06012015). Collection method: clinical testing. Allele origin: germline. Affected: yes.
Comment: This variant is considered likely benign or benign based on one or more of the following criteria: it is a conservative change, it occurs at a poorly conserved position in the protein, it is predicted to be benign by multiple in silico algorithms, and/or has population frequency not consistent with disease.

Laboratory for Molecular Medicine, Mass General Brigham Personalized Medicine
Classification: Benign. Last evaluated: 2012-04-26. Review status: criteria provided, single submitter. Criteria: LMM Criteria. Collection method: clinical testing. Allele origin: germline. Observed: 157 variant alleles.
Comment: Ala4022Ala in exon 45B of TTN: This variant is not expected to have clinical sig nificance because it does not alter an amino acid residue and is not located wit hin the splice consensus sequence. It has been identified in 12.8% (860/6670) of European American chromosomes from a broad population by the NHLBI Exome Sequen cing Project (rs746578).

Breakthrough Genomics
Classification: Benign. Review status: criteria provided, single submitter. Criteria: ACMG Guidelines, 2015. Collection method: not provided. Allele origin: germline. Inheritance: Autosomal recessive inheritance. Affected: yes.

PreventionGenetics, part of Exact Sciences
Classification: Benign. Review status: criteria provided, single submitter. Criteria: ACMG Guidelines, 2015. Collection method: clinical testing. Allele origin: germline.

Clinical Genetics DNA and cytogenetics Diagnostics Lab, Erasmus MC, Erasmus Medical Center
Classification: Benign. Review status: no assertion criteria provided. Collection method: clinical testing. Allele origin: germline. Affected: yes. Study: VKGL Data-share Consensus. Not counted in ClinVar's aggregate classification.

Clinical Genetics, Academic Medical Center
Classification: Benign. Review status: no assertion criteria provided. Collection method: clinical testing. Allele origin: germline. Affected: yes. Study: VKGL Data-share Consensus. Not counted in ClinVar's aggregate classification.

Diagnostic Laboratory, Department of Genetics, University Medical Center Groningen
Classification: Likely benign. Review status: no assertion criteria provided. Collection method: clinical testing. Allele origin: germline. Affected: yes. Study: VKGL Data-share Consensus. Not counted in ClinVar's aggregate classification.

Genome Diagnostics Laboratory, University Medical Center Utrecht
Classification: Benign. Review status: no assertion criteria provided. Collection method: clinical testing. Allele origin: germline. Affected: yes. Study: VKGL Data-share Consensus. Not counted in ClinVar's aggregate classification.

Laboratory of Diagnostic Genome Analysis, Leiden University Medical Center (LUMC)
Classification: Likely benign. Review status: no assertion criteria provided. Collection method: clinical testing. Allele origin: germline. Affected: yes. Study: VKGL Data-share Consensus. Not counted in ClinVar's aggregate classification.